The following is an entry in ClinVar:

NM_004813.4(PEX16):c.112+5C>A

Gene: PEX16 (peroxisomal biogenesis factor 16; minus strand). Cytogenetic location: 11p11.2.
Variant type: single nucleotide variant.
Coding change: c.112+5C>A on transcript NM_004813.4 (MANE Select); 5 bases into the intron after coding-DNA position 112, C replaced by A.
Molecular consequence: intron variant.
Genome position (GRCh38, 1-based): chr11:45,917,695, G>T on the plus strand (C>A on the coding strand, the complement: PEX16 is on the minus strand). VCF-style: chr11-45917695-G-T. GRCh37 (hg19) VCF-style: chr11-45939246-G-T.
Other names: c.112+5C>A (NM_057174.3).
Identifiers: ClinVar variation 2199973 (VCV002199973.3), dbSNP rs1341271925, ClinGen allele CA599028622.
Genomic context (GRCh38, chr11:45,917,695, plus strand): 5'-GGAAGGGGGCCACTGGGGTCATAGGTCAGGGCCCAGAAGGAACTGATCAAAGGTCAGGGT[G>T]GCACCTGCCAGCAGGTAACTGAAGCCCCGCACTGCTGTCTCCAGCTGGGCCGTGGCGGCC-3'

ClinVar aggregate classification (germline): Conflicting classifications of pathogenicity. Review status: criteria provided, conflicting classifications (1 of 4 stars). 3 submissions from 3 submitters: Uncertain significance (2); Likely benign (1). Last evaluated 2026-06-30.

Conditions:
Peroxisome biogenesis disorder. Identifiers: Orphanet 79189, MedGen C1832200, MONDO:0019234. Disease mechanism: loss of function.

Allele frequency attached by ClinVar (database versions not stated): gnomAD 0.00002; TOPMed 0.00002; gnomAD exomes 0.00003.
gnomAD v4.1: 38 of 1,553,092 alleles (0.0024%); highest among the groups gnomAD compares: Non-Finnish European, 0.0033%; no homozygotes.

Submissions (3):

Women's Health and Genetics/Laboratory Corporation of America, LabCorp
Classification: Uncertain significance. Last evaluated: 2026-06-30. Review status: criteria provided, single submitter. Criteria: LabCorp Variant Classification Summary - May 2015. Collection method: clinical testing. Allele origin: germline.

Blueprint Genetics
Classification: Likely benign. Last evaluated: 2024-04-18. Review status: criteria provided, single submitter. Criteria: ACMG Guidelines, 2015. Collection method: clinical testing. Allele origin: germline.

Labcorp Genetics (formerly Invitae), Labcorp
Classification: Uncertain significance for Peroxisome biogenesis disorder. Last evaluated: 2022-06-20. Review status: criteria provided, single submitter. Criteria: Invitae Variant Classification Sherloc (09022015). Collection method: clinical testing. Allele origin: germline.
Comment: This sequence change falls in intron 1 of the PEX16 gene. It does not directly change the encoded amino acid sequence of the PEX16 protein. It affects a nucleotide within the consensus splice site. The frequency data for this variant in the population databases is considered unreliable, as metrics indicate poor data quality at this position in the gnomAD database. This variant has not been reported in the literature in individuals affected with PEX16-related conditions. Variants that disrupt the consensus splice site are a relatively common cause of aberrant splicing (PMID: 17576681, 9536098). Algorithms developed to predict the effect of sequence changes on RNA splicing suggest that this variant is not likely to affect RNA splicing. In summary, the available evidence is currently insufficient to determine the role of this variant in disease. Therefore, it has been classified as a Variant of Uncertain Significance.

Literature cited by the submitters: PubMed 17576681 (cited by Labcorp Genetics (formerly Invitae), Labcorp); PubMed 9536098 (cited by Labcorp Genetics (formerly Invitae), Labcorp).